The following is an entry in ClinVar:

NM_004260.4(RECQL4):c.3499_3502+60del

Gene: RECQL4 (RecQ like helicase 4; minus strand). Cytogenetic location: 8q24.3.
Variant type: Deletion.
Coding change: c.3499_3502+60del on transcript NM_004260.4 (MANE Select); coding-DNA position 3499 through 60 bases into the intron after coding-DNA position 3502, 64 bases deleted.
Molecular consequence: splice donor variant.
Genome position (GRCh38, 1-based): chr8:144,511,621-144,511,684, 64 bases deleted. GRCh37 (hg19): chr8:145,737,007-145,737,070.
Other names: c.3370_3373+60del (NM_001413025.1); c.3148_3151+60del (NM_001413029.1); c.2362_2365+60del (NM_001413032.1, NM_001413027.1, NM_001413030.1); c.2428_2431+60del (NM_001413035.1, NM_001413040.1, NM_001413021.1 and 4 more transcripts); c.3205_3208+60del (NM_001413017.1); c.3403_3406+60del (NM_001413020.1); c.3469_3472+60del (NM_001413039.1); c.3367_3370+60del (NM_001413033.1); and 9 more.
Identifiers: ClinVar variation 3637997 (VCV003637997.2).

ClinVar aggregate classification (germline): Uncertain significance (1 of 4 stars; one submission).

Conditions:
Baller-Gerold syndrome (BGS). Also called: CRANIOSYNOSTOSIS WITH RADIAL DEFECTS. Identifiers: Orphanet 1225, MedGen C0265308, MONDO:0009039, OMIM 218600.

Submission:

Labcorp Genetics (formerly Invitae), Labcorp
Classification: Uncertain significance for Baller-Gerold syndrome. Last evaluated: 2024-02-01. Review status: criteria provided, single submitter. Criteria: Invitae Variant Classification Sherloc (09022015). Collection method: clinical testing. Allele origin: germline.
Comment: This variant results in the deletion of part of exon 20 (c.3499_3502+60del) of the RECQL4 gene. While this variant is not anticipated to result in nonsense mediated decay, it likely alters RNA splicing and results in a disrupted protein product. This variant is not present in population databases (gnomAD no frequency). This variant has not been reported in the literature in individuals affected with RECQL4-related conditions. Experimental studies and prediction algorithms are not available or were not evaluated, and the functional significance of this variant is currently unknown. Variants that disrupt the consensus splice site are a relatively common cause of aberrant splicing (PMID: 17576681, 9536098). In summary, the available evidence is currently insufficient to determine the role of this variant in disease. Therefore, it has been classified as a Variant of Uncertain Significance.

Literature cited by the submitters: PubMed 17576681; PubMed 9536098.